The following is an entry in ClinVar:

ClinVar aggregate classification (germline): Uncertain significance (1 of 4 stars; one submission).

Conditions:
Hereditary cancer-predisposing syndrome. Also called: Tumor predisposition; Hereditary neoplastic syndrome; Hereditary Cancer Syndrome; Neoplastic Syndromes, Hereditary. Identifiers: Orphanet 140162, MedGen C0027672, MeSH D009386, MONDO:0015356.

Submission:

Ambry Genetics
Classification: Uncertain significance for Hereditary cancer-predisposing syndrome. Last evaluated: 2023-11-19. Review status: criteria provided, single submitter. Criteria: Ambry Variant Classification Scheme 2023. Collection method: clinical testing. Allele origin: germline.
Comment: The p.E30K variant (also known as c.88G>A), located in coding exon 2 of the EPCAM gene, results from a G to A substitution at nucleotide position 88. The glutamic acid at codon 30 is replaced by lysine, an amino acid with similar properties. This amino acid position is conserved. In addition, this alteration is predicted to be tolerated by in silico analysis. Since supporting evidence is limited at this time, the clinical significance of this alteration remains unclear.

NM_002354.3(EPCAM):c.88G>A (p.Glu30Lys)

Gene: EPCAM (epithelial cell adhesion molecule; plus strand). Cytogenetic location: 2p21.
Variant type: single nucleotide variant.
Coding change: c.88G>A on transcript NM_002354.3 (MANE Select); coding-DNA position 88, G replaced by A.
Protein change: p.Glu30Lys; replaces glutamic acid 30 with lysine.
Molecular consequence: missense variant.
Genome position (GRCh38, 1-based): chr2:47,373,474, G>A. VCF-style: chr2-47373474-G-A. GRCh37 (hg19) VCF-style: chr2-47600613-G-A.
Other names: short protein forms E30K.
Identifiers: ClinVar variation 3222147 (VCV003222147.1), dbSNP rs2465455028, ClinGen allele CA346722397.